The following is an entry in ClinVar:

NM_017950.4(CCDC40):c.763G>C (p.Glu255Gln)

Gene: CCDC40 (coiled-coil domain 40 molecular ruler complex subunit; plus strand). Cytogenetic location: 17q25.3.
Variant type: single nucleotide variant.
Coding change: c.763G>C on transcript NM_017950.4 (MANE Select); coding-DNA position 763, G replaced by C.
Protein change: p.Glu255Gln; replaces glutamic acid 255 with glutamine.
Molecular consequence: missense variant.
Genome position (GRCh38, 1-based): chr17:80,048,669, G>C. VCF-style: chr17-80048669-G-C. GRCh37 (hg19) VCF-style: chr17-78022468-G-C.
Other names: c.763G>C, p.Glu255Gln (NM_001243342.2, NM_001330508.2); short protein forms E255Q.
Identifiers: ClinVar variation 842933 (VCV000842933.11), dbSNP rs763892619, ClinGen allele CA8813564.
Genomic context (GRCh38, chr17:80,048,669, plus strand): 5'-CACCCCAGGGAAGGAGACCTGCCAGTGTTCCAGGACCAGATCCAGCAGCCCAGCACCGAG[G>C]AGGGGGCCATGGCAGAGAGAGTGGAGTCCGAGGGGAGTGACGAGGAAGCAGAAGACGAAG-3'
Protein context (NP_060420.2, residues 245-265): QDQIQQPSTE[Glu255Gln]GAMAERVESE

ClinVar aggregate classification (germline): Uncertain significance. Review status: criteria provided, multiple submitters, no conflicts (2 of 4 stars). 3 submissions from 3 submitters: Uncertain significance (3). Last evaluated 2024-10-14.

Conditions:
Primary ciliary dyskinesia 15. Also called: CILIARY DYSKINESIA, PRIMARY, 15, WITH OR WITHOUT SITUS INVERSUS. Identifiers: Orphanet 244, MedGen C3151137, MONDO:0013435, OMIM 613808.
Primary ciliary dyskinesia. Also called: Ciliary dyskinesia. Identifiers: Orphanet 244, MedGen C0008780, MONDO:0016575, HP:0012265.

Allele frequency attached by ClinVar (database versions not stated): TOPMed 0.00001; gnomAD exomes 0.00005 and 0.00008; ExAC 0.00008.
gnomAD v4.1: 79 of 1,614,138 alleles (0.0049%); highest among the groups gnomAD compares: South Asian, 0.041%; 2 homozygotes.

Submissions (3):

Ambry Genetics
Classification: Uncertain significance for Primary ciliary dyskinesia. Last evaluated: 2024-10-14. Review status: criteria provided, single submitter. Criteria: Ambry Variant Classification Scheme 2023. Collection method: clinical testing. Allele origin: germline.
Comment: The p.E255Q variant (also known as c.763G>C), located in coding exon 5 of the CCDC40 gene, results from a G to C substitution at nucleotide position 763. The glutamic acid at codon 255 is replaced by glutamine, an amino acid with highly similar properties. This amino acid position is conserved. In addition, this alteration is predicted to be tolerated by in silico analysis. Based on the available evidence, the clinical significance of this variant remains unclear.

Revvity Omics, Revvity
Classification: Uncertain significance for Primary ciliary dyskinesia 15. Last evaluated: 2022-01-05. Review status: criteria provided, single submitter. Criteria: ACMG Guidelines, 2015. Collection method: clinical testing. Allele origin: germline.

Labcorp Genetics (formerly Invitae), Labcorp
Classification: Uncertain significance for Primary ciliary dyskinesia. Last evaluated: 2021-08-27. Review status: criteria provided, single submitter. Criteria: Invitae Variant Classification Sherloc (09022015). Collection method: clinical testing. Allele origin: germline.
Comment: This sequence change replaces glutamic acid with glutamine at codon 255 of the CCDC40 protein (p.Glu255Gln). The glutamic acid residue is moderately conserved and there is a small physicochemical difference between glutamic acid and glutamine. This variant is present in population databases (rs763892619, ExAC 0.03%). This variant has not been reported in the literature in individuals affected with CCDC40-related conditions. Algorithms developed to predict the effect of missense changes on protein structure and function are either unavailable or do not agree on the potential impact of this missense change (SIFT: "Deleterious"; PolyPhen-2: "Possibly Damaging"; Align-GVGD: "Class C0"). In summary, the available evidence is currently insufficient to determine the role of this variant in disease. Therefore, it has been classified as a Variant of Uncertain Significance.